The following is an entry in ClinVar:

ClinVar aggregate classification (germline): Likely benign (1 of 4 stars; one submission).

Conditions:
PKD1-related disorder. Also called: PKD1-related condition.

gnomAD v4.1: 5 of 1,610,714 alleles (0.00031%); highest among the groups gnomAD compares: Non-Finnish European, 0.00042%; no homozygotes.

Submission:

PreventionGenetics, part of Exact Sciences
Classification: Likely benign for PKD1-related condition. Last evaluated: 2026-07-31. Review status: criteria provided, single submitter. Criteria: ACMG Guidelines, 2015. Collection method: clinical testing. Allele origin: germline.
Comment: This variant is classified as likely benign based on ACMG/AMP sequence variant interpretation guidelines (Richards et al. 2015 PMID: 25741868, with internal and published modifications).

NM_001009944.3(PKD1):c.4131G>A (p.Glu1377=)

Gene: PKD1 (polycystin 1, transient receptor potential channel interacting; minus strand). Cytogenetic location: 16p13.3.
Variant type: single nucleotide variant.
Coding change: c.4131G>A on transcript NM_001009944.3 (MANE Select); coding-DNA position 4131, G replaced by A.
Protein change: p.Glu1377=; no amino-acid change (glutamic acid 1377 retained).
Molecular consequence: synonymous variant.
Genome position (GRCh38, 1-based): chr16:2,111,036, C>T on the plus strand (G>A on the coding strand, the complement: PKD1 is on the minus strand). VCF-style: chr16-2111036-C-T. GRCh37 (hg19) VCF-style: chr16-2161037-C-T.
Other names: c.4131G>A, p.Glu1377= (NM_000296.4).
Identifiers: ClinVar variation 4995279 (VCV004995279.1).